The following is an entry in ClinVar:

NM_001035.3(RYR2):c.9765G>C (p.Glu3255Asp)

Gene: RYR2 (ryanodine receptor 2; plus strand). Cytogenetic location: 1q43.
Variant type: single nucleotide variant.
Coding change: c.9765G>C on transcript NM_001035.3 (MANE Select); coding-DNA position 9765, G replaced by C.
Protein change: p.Glu3255Asp; replaces glutamic acid 3255 with aspartic acid.
Molecular consequence: missense variant.
Genome position (GRCh38, 1-based): chr1:237,707,133, G>C. VCF-style: chr1-237707133-G-C. GRCh37 (hg19) VCF-style: chr1-237870433-G-C.
Other names: c.9765G>C, p.Glu3255Asp (LRG_402t1); short protein forms E3255D.
Identifiers: ClinVar variation 578942 (VCV000578942.10), dbSNP rs1558259322, ClinGen allele CA345408843.

ClinVar aggregate classification (germline): Uncertain significance (1 of 4 stars; one submission).

Conditions:
Catecholaminergic polymorphic ventricular tachycardia 1. Also called: VENTRICULAR TACHYCARDIA, CATECHOLAMINERGIC POLYMORPHIC, 1, WITH OR WITHOUT ATRIAL DYSFUNCTION AND/OR DILATED CARDIOMYOPATHY; VENTRICULAR TACHYCARDIA, STRESS-INDUCED POLYMORPHIC 1; RYR2-Related Catecholaminergic Polymorphic Ventricular Tachycardia. Identifiers: Orphanet 3286, MedGen C1631597, MONDO:0011484, OMIM 604772.

gnomAD v4.1: 15 of 1,613,850 alleles (0.00093%); highest among the groups gnomAD compares: Non-Finnish European, 0.0013%; no homozygotes.

Submission:

Labcorp Genetics (formerly Invitae), Labcorp
Classification: Uncertain significance for Catecholaminergic polymorphic ventricular tachycardia 1. Last evaluated: 2024-02-23. Review status: criteria provided, single submitter. Criteria: Invitae Variant Classification Sherloc (09022015). Collection method: clinical testing. Allele origin: germline.
Comment: This sequence change replaces glutamic acid, which is acidic and polar, with aspartic acid, which is acidic and polar, at codon 3255 of the RYR2 protein (p.Glu3255Asp). This variant is not present in population databases (gnomAD no frequency). This variant has not been reported in the literature in individuals affected with RYR2-related conditions. ClinVar contains an entry for this variant (Variation ID: 578942). Advanced modeling of protein sequence and biophysical properties (such as structural, functional, and spatial information, amino acid conservation, physicochemical variation, residue mobility, and thermodynamic stability) performed at Invitae indicates that this missense variant is not expected to disrupt RYR2 protein function with a negative predictive value of 95%. In summary, the available evidence is currently insufficient to determine the role of this variant in disease. Therefore, it has been classified as a Variant of Uncertain Significance.